The following is an entry in ClinVar:

ClinVar aggregate classification (germline): Uncertain significance (1 of 4 stars; one submission).

Conditions:
Perlman syndrome (PRLMNS). Identifiers: Orphanet 2849, MedGen C0796113, MONDO:0009965, OMIM 267000.

Submission:

Labcorp Genetics (formerly Invitae), Labcorp
Classification: Uncertain significance for Perlman syndrome. Last evaluated: 2021-02-11. Review status: criteria provided, single submitter. Criteria: Invitae Variant Classification Sherloc (09022015). Collection method: clinical testing. Allele origin: germline.
Comment: This sequence change falls in intron 9 of the DIS3L2 gene. It does not directly change the encoded amino acid sequence of the DIS3L2 protein. It affects a nucleotide within the consensus splice site of the intron. This variant is not present in population databases (ExAC no frequency). This variant has not been reported in the literature in individuals with DIS3L2-related conditions. Nucleotide substitutions within the consensus splice site are a relatively common cause of aberrant splicing (PMID: 17576681, 9536098). Algorithms developed to predict the effect of sequence changes on RNA splicing suggest that this variant is not likely to affect RNA splicing, but this prediction has not been confirmed by published transcriptional studies. In summary, the available evidence is currently insufficient to determine the role of this variant in disease. Therefore, it has been classified as a Variant of Uncertain Significance.

Literature cited by the submitters: PubMed 17576681; PubMed 9536098.

NM_152383.5(DIS3L2):c.1124+5G>C

Gene: DIS3L2 (DIS3 like 3'-5' exoribonuclease 2; plus strand). Cytogenetic location: 2q37.1.
Variant type: single nucleotide variant.
Coding change: c.1124+5G>C on transcript NM_152383.5 (MANE Select); 5 bases into the intron after coding-DNA position 1124, G replaced by C.
Molecular consequence: intron variant.
Genome position (GRCh38, 1-based): chr2:232,163,637, G>C. VCF-style: chr2-232163637-G-C. GRCh37 (hg19) VCF-style: chr2-233028347-G-C.
Other names: c.1124+5G>C (NM_001257281.2).
Identifiers: ClinVar variation 1440987 (VCV001440987.6), dbSNP rs2106377299, ClinGen allele CA2573135535.
Genomic context (GRCh38, chr2:232,163,637, plus strand): 5'-CAAGGCCTGCCATGGACAATTCCACCAGAGGAGTTCAGCAAGAGAAGGGATTTAAGGTAA[G>C]CACCTGAAACCCTTTAAGAACGTATATCTCCCTTTCTGCCTTAACTTTCCTAGGGGCTAG-3'